The following is an entry in ClinVar:

ClinVar aggregate classification (germline): Pathogenic (1 of 4 stars; one submission).

Conditions:
Familial thoracic aortic aneurysm and aortic dissection (TAAD). Also called: Thoracic aortic aneurysms and dissections. Identifiers: Orphanet 91387, MedGen C4707243, MONDO:0019625.
Marfan syndrome (MFS). Also called: Marfan syndrome type 1; Marfan's syndrome; Marfan syndrome, classic; MARFAN SYNDROME, TYPE I; FBN1-Related Marfan Syndrome. Identifiers: Orphanet 284963, Orphanet 558, MedGen C0024796, MONDO:0007947, OMIM 154700.

Submission:

Labcorp Genetics (formerly Invitae), Labcorp
Classification: Pathogenic for Marfan syndrome; Familial thoracic aortic aneurysm and aortic dissection. Last evaluated: 2020-08-30. Review status: criteria provided, single submitter. Criteria: Invitae Variant Classification Sherloc (09022015). Collection method: clinical testing. Allele origin: germline.
Comment: For these reasons, this variant has been classified as Pathogenic. Loss-of-function variants in FBN1 are known to be pathogenic (PMID: 17657824, 19293843). This variant has not been reported in the literature in individuals with FBN1-related conditions. This variant is not present in population databases (ExAC no frequency). This sequence change creates a premature translational stop signal (p.Lys2010Serfs*49) in the FBN1 gene. It is expected to result in an absent or disrupted protein product.

Literature cited by the submitters: PubMed 17657824; PubMed 19293843.

NM_000138.5(FBN1):c.6029del (p.Lys2010fs)

Gene: FBN1 (fibrillin 1; minus strand). Cytogenetic location: 15q21.1.
Variant type: Deletion.
Coding change: c.6029del on transcript NM_000138.5 (MANE Select); coding-DNA position 6029, one base deleted (A; older notation c.6029delA).
Protein change: p.Lys2010fs; shifts the reading frame from lysine 2010.
Molecular consequence: frameshift variant.
Genome position (GRCh38, 1-based): chr15:48,444,549, T deleted on the plus strand (A on the coding strand, the reverse complement: FBN1 is on the minus strand); the first of 2 consecutive T bases (chr15:48,444,549-48,444,550); deleting either gives the same sequence. VCF-style (leftmost placement, unchanged base first): chr15-48444548-CT-C. GRCh37 (hg19) VCF-style: chr15-48736745-CT-C.
Other names: short protein forms K2010fs.
Identifiers: ClinVar variation 1075872 (VCV001075872.7), dbSNP rs2141248004, ClinGen allele CA2499222978.